The following is an entry in ClinVar:

NM_198586.3(NHLRC1):c.637G>A (p.Gly213Ser)

Gene: NHLRC1 (NHL repeat containing E3 ubiquitin protein ligase 1; minus strand). Cytogenetic location: 6p22.3.
Variant type: single nucleotide variant.
Coding change: c.637G>A on transcript NM_198586.3 (MANE Select); coding-DNA position 637, G replaced by A.
Protein change: p.Gly213Ser; replaces glycine 213 with serine.
Molecular consequence: missense variant.
Genome position (GRCh38, 1-based): chr6:18,121,970, C>T on the plus strand (G>A on the coding strand, the complement: NHLRC1 is on the minus strand). VCF-style: chr6-18121970-C-T. GRCh37 (hg19) VCF-style: chr6-18122201-C-T.
Other names: short protein forms G213S.
Identifiers: ClinVar variation 1374617 (VCV001374617.8), dbSNP rs1783743169, ClinGen allele CA362826799.
Genomic context (GRCh38, chr6:18,121,970, plus strand): 5'-CAGTTACCACAATCCCATTCTGAGGGGTGGTCTCCACACCCCAAGGTAAGGAGAATTGGC[C>T]TCCAATGACAAGCTTGATCTGGCCAAAAAAATCAAACACTTTGATGGAGCGATCGCCGGC-3'
Protein context (NP_940988.2, residues 203-223): FFGQIKLVIG[Gly213Ser]QFSLPWGVET

ClinVar aggregate classification (germline): Uncertain significance (1 of 4 stars; one submission).

Conditions:
Lafora disease. Also called: Epilepsy progressive myoclonic 2; Progressive Myoclonus Epilepsy, Lafora Type. Identifiers: Orphanet 501, MedGen C0751783, MONDO:0009697.

Allele frequency attached by ClinVar (database versions not stated): gnomAD exomes below 0.00001; gnomAD 0.00001.

Submission:

Labcorp Genetics (formerly Invitae), Labcorp
Classification: Uncertain significance for Lafora disease. Last evaluated: 2023-12-06. Review status: criteria provided, single submitter. Criteria: Invitae Variant Classification Sherloc (09022015). Collection method: clinical testing. Allele origin: germline.
Comment: This sequence change replaces glycine, which is neutral and non-polar, with serine, which is neutral and polar, at codon 213 of the NHLRC1 protein (p.Gly213Ser). This variant is not present in population databases (gnomAD no frequency). This variant has not been reported in the literature in individuals affected with NHLRC1-related conditions. ClinVar contains an entry for this variant (Variation ID: 1374617). Advanced modeling of protein sequence and biophysical properties (such as structural, functional, and spatial information, amino acid conservation, physicochemical variation, residue mobility, and thermodynamic stability) has been performed at Invitae for this missense variant, however the output from this modeling did not meet the statistical confidence thresholds required to predict the impact of this variant on NHLRC1 protein function. In summary, the available evidence is currently insufficient to determine the role of this variant in disease. Therefore, it has been classified as a Variant of Uncertain Significance.